The following is an entry in ClinVar:

NM_001165963.4(SCN1A):c.1900del (p.Val634fs)

Gene: SCN1A (sodium voltage-gated channel alpha subunit 1; minus strand). Cytogenetic location: 2q24.3.
Variant type: Deletion.
Coding change: c.1900del on transcript NM_001165963.4 (MANE Select); coding-DNA position 1900, one base deleted (G; older notation c.1900delG).
Protein change: p.Val634fs; shifts the reading frame from valine 634.
Molecular consequence: frameshift variant. On other transcripts: 5 prime UTR variant (1), non-coding transcript variant (1).
Genome position (GRCh38, 1-based): chr2:166,043,812, C deleted on the plus strand (G on the coding strand, the reverse complement: SCN1A is on the minus strand). VCF-style (leftmost placement, unchanged base first): chr2-166043811-AC-A. GRCh37 (hg19) VCF-style: chr2-166900321-AC-A.
Other names: c.1900del, p.Val634fs (NM_001165964.3, NM_001202435.3, NM_001353948.2 and 7 more transcripts); c.1897del, p.Val633fs (NM_001353954.2, NM_001353955.2, NM_001353960.2); c.-526del (NM_001353961.2); short protein forms V634fs, V633fs.
Identifiers: ClinVar variation 1396509 (VCV001396509.7), dbSNP rs2105842394, ClinGen allele CA2573133532.

ClinVar aggregate classification (germline): Pathogenic (1 of 4 stars; one submission).

Conditions:
Early-infantile DEE. Also called: Early infantile epileptic encephalopathy; Ohtahara syndrome; Early infantile epileptic encephalopathy with suppression bursts. Identifiers: Orphanet 1934, MedGen C0393706, MONDO:0800491.

Submission:

Labcorp Genetics (formerly Invitae), Labcorp
Classification: Pathogenic for Early-infantile DEE. Last evaluated: 2021-04-23. Review status: criteria provided, single submitter. Criteria: Invitae Variant Classification Sherloc (09022015). Collection method: clinical testing. Allele origin: germline.
Comment: This sequence change creates a premature translational stop signal (p.Val634Cysfs*38) in the SCN1A gene. It is expected to result in an absent or disrupted protein product. Loss-of-function variants in SCN1A are known to be pathogenic (PMID: 17347258, 18930999). For these reasons, this variant has been classified as Pathogenic. This variant has not been reported in the literature in individuals with SCN1A-related conditions. This variant is not present in population databases (ExAC no frequency).

Literature cited by the submitters: PubMed 17347258; PubMed 18930999.